The following is an entry in ClinVar:

ClinVar aggregate classification (germline): Likely pathogenic (1 of 4 stars; one submission).

Conditions:
Primary ciliary dyskinesia. Also called: Ciliary dyskinesia. Identifiers: Orphanet 244, MedGen C0008780, MONDO:0016575, HP:0012265.

Submission:

Ambry Genetics
Classification: Likely pathogenic for Primary ciliary dyskinesia. Last evaluated: 2018-01-17. Review status: criteria provided, single submitter. Criteria: Ambry Variant Classification Scheme 2023. Collection method: clinical testing. Allele origin: germline.
Comment: The p.R2799P variant (also known as c.8396G>C), located in coding exon 50 of the DNAH5 gene, results from a G to C substitution at nucleotide position 8396. The arginine at codon 2799 is replaced by proline, an amino acid with dissimilar properties. This alteration was detected in conjunction with DNAH5 p.P3606Hfs*23 in an individual with situs inversus, rhinorrhea, daily wet cough, sinusitis, otitis media, immotile cilia on high speed videomicroscropy, and outer dynein arm defect on transmission electron microscopy (Djakow J et al. Pediatr. Pulmonol., 2012 Sep;47:864-75; Djakow J et al. Pediatr. Pulmonol., 2016 May;51:498-509). This amino acid position is highly conserved in available vertebrate species. In addition, this alteration is predicted to be deleterious by in silico analysis. Based on the majority of available evidence to date, this variant is likely to be pathogenic.

Literature cited by the submitters: PubMed 22416021; PubMed 26228299.

NM_001369.3(DNAH5):c.8396G>C (p.Arg2799Pro)

Gene: DNAH5 (dynein axonemal heavy chain 5; minus strand). Cytogenetic location: 5p15.2.
Variant type: single nucleotide variant.
Coding change: c.8396G>C on transcript NM_001369.3 (MANE Select); coding-DNA position 8396, G replaced by C.
Protein change: p.Arg2799Pro; replaces arginine 2799 with proline.
Molecular consequence: missense variant.
Genome position (GRCh38, 1-based): chr5:13,792,046, C>G on the plus strand (G>C on the coding strand, the complement: DNAH5 is on the minus strand). VCF-style: chr5-13792046-C-G. GRCh37 (hg19) VCF-style: chr5-13792155-C-G.
Other names: short protein forms R2799P.
Identifiers: ClinVar variation 1763200 (VCV001763200.2), dbSNP rs1182948401, ClinGen allele CA359219018.